The following is an entry in ClinVar:

ClinVar aggregate classification (germline): Uncertain significance (1 of 4 stars; one submission).

Conditions:
Primary ciliary dyskinesia. Also called: Ciliary dyskinesia. Identifiers: Orphanet 244, MedGen C0008780, MONDO:0016575, HP:0012265.

Submission:

Labcorp Genetics (formerly Invitae), Labcorp
Classification: Uncertain significance for Primary ciliary dyskinesia. Last evaluated: 2022-06-18. Review status: criteria provided, single submitter. Criteria: Invitae Variant Classification Sherloc (09022015). Collection method: clinical testing. Allele origin: germline.
Comment: This variant has not been reported in the literature in individuals affected with RPGR-related conditions. This variant is not present in population databases (gnomAD no frequency). This sequence change replaces isoleucine, which is neutral and non-polar, with threonine, which is neutral and polar, at codon 779 of the RPGR protein (p.Ile779Thr). Algorithms developed to predict the effect of missense changes on protein structure and function (SIFT, PolyPhen-2, Align-GVGD) all suggest that this variant is likely to be tolerated. In summary, the available evidence is currently insufficient to determine the role of this variant in disease. Therefore, it has been classified as a Variant of Uncertain Significance.

NC_000023.11:g.38269738A>G

Gene: RPGR (retinitis pigmentosa GTPase regulator; minus strand). Cytogenetic location: Xp11.4.
Variant type: single nucleotide variant.
Molecular consequence: missense variant (on NM_000328.3). On other transcripts: non-coding transcript variant (6).
Genome position: GRCh38 VCF-style: chrX-38269738-A-G. GRCh37 (hg19) VCF-style: chrX-38128991-A-G.
Other names: c.2336T>C, p.Ile779Thr (NM_000328.3); c.2333T>C, p.Ile778Thr (NM_001367245.1); c.2150T>C, p.Ile717Thr (NM_001367246.1); c.2003T>C, p.Ile668Thr (NM_001367247.1); c.2033T>C, p.Ile678Thr (NM_001367248.1); c.2000T>C, p.Ile667Thr (NM_001367249.1, NM_001367250.1); c.1817T>C, p.Ile606Thr (NM_001367251.1); short protein forms I667T, I606T, I779T, I678T, I778T, I668T, I717T.
Identifiers: ClinVar variation 2007878 (VCV002007878.4), dbSNP rs2519740096, ClinGen allele CA412721680.